The following is an entry in ClinVar:

ClinVar aggregate classification (germline): Uncertain significance (1 of 4 stars; one submission).

Conditions:
Inborn genetic diseases. Identifiers: MedGen C0950123, MeSH D030342.

gnomAD v4.1: 1 of 1,614,104 alleles (0.000062%); highest among the groups gnomAD compares: African/African-American, 0.0013%; no homozygotes.

Submission:

Ambry Genetics
Classification: Uncertain significance for Inborn genetic diseases. Last evaluated: 2025-06-21. Review status: criteria provided, single submitter. Criteria: Ambry Variant Classification Scheme 2023. Collection method: clinical testing. Allele origin: germline.
Comment: The p.H357Y variant (also known as c.1069C>T), located in coding exon 5 of the SH2B3 gene, results from a C to T substitution at nucleotide position 1069. The histidine at codon 357 is replaced by tyrosine, an amino acid with similar properties. This amino acid position is conserved. In addition, this alteration is predicted to be tolerated by in silico analysis. Based on the available evidence, the clinical significance of this variant remains unclear.

NM_005475.3(SH2B3):c.1069C>T (p.His357Tyr)

Gene: SH2B3 (SH2B adaptor protein 3; plus strand). Cytogenetic location: 12q24.12.
Variant type: single nucleotide variant.
Coding change: c.1069C>T on transcript NM_005475.3 (MANE Select); coding-DNA position 1069, C replaced by T.
Protein change: p.His357Tyr; replaces histidine 357 with tyrosine.
Molecular consequence: missense variant.
Genome position (GRCh38, 1-based): chr12:111,447,377, C>T. VCF-style: chr12-111447377-C-T. GRCh37 (hg19) VCF-style: chr12-111885181-C-T.
Other names: c.463C>T, p.His155Tyr (NM_001291424.1); short protein forms H357Y, H155Y.
Identifiers: ClinVar variation 4163902 (VCV004163902.1).